The following is an entry in ClinVar:

NM_006767.4(LZTR1):c.2013_2014del (p.Leu672fs)

Gene: LZTR1 (leucine zipper like post translational regulator 1; plus strand). Cytogenetic location: 22q11.21.
Variant type: Deletion.
Coding change: c.2013_2014del on transcript NM_006767.4 (MANE Select); coding-DNA positions 2013 to 2014, 2 bases deleted (GT; older notation c.2013_2014delGT).
Protein change: p.Leu672fs; shifts the reading frame from leucine 672.
Molecular consequence: frameshift variant.
Genome position (GRCh38, 1-based): chr22:20,995,816-20,995,817, GT deleted; deleting any 2 consecutive bases within chr22:20,995,815-20,995,817 gives the same sequence; the c. name uses the placement nearest the transcript's 3' end. VCF-style (leftmost placement, unchanged base first): chr22-20995814-CTG-C. GRCh37 (hg19) VCF-style: chr22-21350103-CTG-C.
Other names: short protein forms L672fs.
Identifiers: ClinVar variation 1784437 (VCV001784437.6), dbSNP rs2518623958, ClinGen allele CA2580099264.

ClinVar aggregate classification (germline): Pathogenic. Review status: criteria provided, multiple submitters, no conflicts (2 of 4 stars). 2 submissions from 2 submitters: Pathogenic (2). Last evaluated 2025-01-21.

Conditions:
Hereditary cancer-predisposing syndrome. Also called: Tumor predisposition; Hereditary neoplastic syndrome; Hereditary Cancer Syndrome; Neoplastic Syndromes, Hereditary. Identifiers: Orphanet 140162, MedGen C0027672, MeSH D009386, MONDO:0015356.
Cardiovascular phenotype. Identifiers: MedGen CN230736.
LZTR1-related disorder. Also called: LZTR1-related disorders; LZTR1-related condition.

Submissions (2):

Ambry Genetics
Classification: Pathogenic for Cardiovascular phenotype; Hereditary cancer-predisposing syndrome. Last evaluated: 2025-01-21. Review status: criteria provided, single submitter. Criteria: Ambry Variant Classification Scheme 2023. Collection method: clinical testing. Allele origin: germline.
Comment: The c.2013_2014delGT pathogenic mutation, located in coding exon 17 of the LZTR1 gene, results from a deletion of two nucleotides at nucleotide positions 2013 to 2014, causing a translational frameshift with a predicted alternate stop codon (p.L672Afs*2). This alteration is expected to result in loss of function by premature protein truncation or nonsense-mediated mRNA decay. Loss-of-function variants in LZTR1 are related to an increased risk for schwannomas and autosomal recessive Noonan syndrome; however, such associations with autosomal dominant Noonan syndrome have not been observed (Piotrowski A et al. Nat Genet. 2014 Feb;46:182-7; Yamamoto GL et al. J Med Genet. 2015 Jun;52:413-21; Johnston JJ et al. Genet Med. 2018 10;20:1175-1185). Based on the supporting evidence, this variant is pathogenic for an increased risk of LZTR1-related schwannomatosis (SWN) and would be expected to cause autosomal recessive Noonan syndrome when present along with a second pathogenic or likely pathogenic variant on the other allele; however, the association of this alteration with autosomal dominant Noonan syndrome is unlikely.

PreventionGenetics, part of Exact Sciences
Classification: Pathogenic for LZTR1-related condition. Last evaluated: 2024-12-17. Review status: criteria provided, single submitter. Criteria: ACMG Guidelines, 2015. Collection method: clinical testing. Allele origin: germline.
Comment: The LZTR1 c.2013_2014delGT variant is predicted to result in a frameshift and premature protein termination (p.Leu672Alafs*2). To our knowledge, this variant has not been reported in the literature or in a large population database, indicating this variant is rare. Frameshift variants in LZTR1 are expected to be pathogenic for both autosomal recessive Noonan syndrome as well as autosomal dominant schwannomatosis with reduced penetrance. This variant is interpreted as pathogenic in ClinVar. This variant is interpreted as pathogenic for autosomal recessive Noonan syndrome and autosomal dominant susceptibility to schwannomatosis. However, this variant is interpreted as uncertain for autosomal dominant Noonan syndrome.